The following is an entry in ClinVar:

NC_012920.1(MT-ATP6):m.8950G>A

Gene: MT-ATP6 (mitochondrially encoded ATP synthase 6; plus strand).
Variant type: single nucleotide variant.
Genome position: chrM-8950-G-A.
Identifiers: ClinVar variation 590268 (VCV000590268.3), dbSNP rs1556423574, ClinGen allele CA414799126.

ClinVar aggregate classification (germline): Benign. Review status: criteria provided, single submitter (1 of 4 stars). 2 submissions from 2 submitters: Benign (1). 1 of the submissions does not count toward it. Last evaluated 2019-10-17.

Conditions:
Bicuspid aortic valve. Identifiers: MedGen C0149630, HP:0001647.
Leigh syndrome (NULS). Also called: LEIGH SYNDROME, NUCLEAR; Leigh's necrotizing encephalopathy; Leigh's disease; Leigh's syndrome; Leigh Syndrome (mtDNA deletion); Leigh Disease. Identifiers: Orphanet 506, MedGen C2931891, MONDO:0009723, OMIM 256000.

Submissions (2):

Wong Mito Lab, Molecular and Human Genetics, Baylor College of Medicine
Classification: Benign for Leigh syndrome. Last evaluated: 2019-10-17. Review status: criteria provided, single submitter. Criteria: Modified ACMG Guidelines (Unpublished). Collection method: clinical testing. Allele origin: germline.
Comment: The NC_012920.1:m.8950G>A (YP_003024031.1:p.Val142Ile) variant in MTATP6 gene is interpretated to be a Benign variant based on the modified ACMG guidelines (unpublished). This variant meets the following evidence codes: BS1, BS2, BP4

Molecular Biology Laboratory, University of Basrah
Classification: Likely pathogenic for Bicuspid aortic valve. Review status: no assertion criteria provided. Collection method: case-control. Allele origin: maternal. Inheritance: Mitochondrial inheritance. Not counted in ClinVar's aggregate classification.

Literature cited by the submitters: PubMed 18495510 (cited by Wong Mito Lab, Molecular and Human Genetics, Baylor College of Medicine).